The following is an entry in ClinVar:

NM_000051.4(ATM):c.6872G>C (p.Trp2291Ser)

Genes: ATM (ATM serine/threonine kinase; plus strand), C11orf65 (chromosome 11 open reading frame 65; minus strand). Cytogenetic location: 11q22.3.
Variant type: single nucleotide variant.
Coding change: c.6872G>C on transcript NM_000051.4 (MANE Select); coding-DNA position 6872, G replaced by C.
Protein change: p.Trp2291Ser; replaces tryptophan 2291 with serine.
Molecular consequence: missense variant. On other transcripts: intron variant (2).
Genome position (GRCh38, 1-based): chr11:108,326,122, G>C. VCF-style: chr11-108326122-G-C. GRCh37 (hg19) VCF-style: chr11-108196849-G-C.
Other names: c.6872G>C, p.Trp2291Ser (NM_001351834.2); c.641-17051C>G (NM_001330368.2); c.*38+9098C>G (NM_001351110.2); short protein forms W2291S.
Identifiers: ClinVar variation 4618744 (VCV004618744.1).

ClinVar aggregate classification (germline): Uncertain significance (1 of 4 stars; one submission).

Conditions:
Hereditary cancer-predisposing syndrome. Also called: Hereditary Cancer Syndrome; Neoplastic Syndromes, Hereditary; Tumor predisposition; Hereditary neoplastic syndrome. Identifiers: Orphanet 140162, MedGen C0027672, MeSH D009386, MONDO:0015356.

Submission:

Ambry Genetics
Classification: Uncertain significance for Hereditary cancer-predisposing syndrome. Last evaluated: 2025-12-07. Review status: criteria provided, single submitter. Criteria: Ambry Variant Classification Scheme 2023. Collection method: clinical testing. Allele origin: germline.
Comment: The p.W2291S variant (also known as c.6872G>C), located in coding exon 46 of the ATM gene, results from a G to C substitution at nucleotide position 6872. The tryptophan at codon 2291 is replaced by serine, an amino acid with highly dissimilar properties. This amino acid position is conserved. In addition, this alteration is predicted to be deleterious by in silico analysis. Based on the available evidence, the clinical significance of this variant remains unclear.